The following is an entry in ClinVar:

ClinVar aggregate classification (germline): Uncertain significance (1 of 4 stars; one submission).

Conditions:
Developmental and epileptic encephalopathy, 53. Also called: Epileptic encephalopathy, early infantile, 53. Identifiers: MedGen C4479313, MONDO:0033362, OMIM 617389.
Early-onset Parkinson disease 20. Also called: PARKINSON DISEASE 20, AUTOSOMAL RECESSIVE EARLY-ONSET. Identifiers: Orphanet 391411, MedGen C3809824, MONDO:0014233, OMIM 615530.

Allele frequency attached by ClinVar (database versions not stated): gnomAD exomes below 0.00001; gnomAD 0.00001.

Submission:

Labcorp Genetics (formerly Invitae), Labcorp
Classification: Uncertain significance for Developmental and epileptic encephalopathy, 53; Early-onset Parkinson disease 20. Last evaluated: 2021-05-20. Review status: criteria provided, single submitter. Criteria: Invitae Variant Classification Sherloc (09022015). Collection method: clinical testing. Allele origin: germline.
Comment: In summary, the available evidence is currently insufficient to determine the role of this variant in disease. Therefore, it has been classified as a Variant of Uncertain Significance. Experimental studies and prediction algorithms are not available or were not evaluated, and the functional significance of this variant is currently unknown. This variant has not been reported in the literature in individuals with SYNJ1-related conditions. This variant is not present in population databases (ExAC no frequency). This variant, c.111_113del, results in the deletion of 1 amino acid(s) of the SYNJ1 protein (p.Arg39del), but otherwise preserves the integrity of the reading frame.

NM_203446.3(SYNJ1):c.-7_-5del

Gene: SYNJ1 (synaptojanin 1; minus strand). Cytogenetic location: 21q22.11.
Variant type: Deletion.
Coding change: c.-7_-5del on transcript NM_203446.3 (MANE Select); 7 bases upstream of the start codon through 5 bases upstream of the start codon, 3 bases deleted (AAG; older notation c.-7_-5delAAG).
Molecular consequence: 5 prime UTR variant. On other transcripts: inframe indel (1).
Genome position (GRCh38, 1-based): chr21:32,726,900-32,726,902, CTT deleted on the plus strand (AAG on the coding strand, the reverse complement: SYNJ1 is on the minus strand). VCF-style (leftmost placement, unchanged base first): chr21-32726899-CCTT-C. GRCh37 (hg19) VCF-style: chr21-34099210-CCTT-C.
Other names: c.-7_-5delAAG (NM_001160302.2); c.-7_-5del (NM_001160306.2); c.111_113delAAG, p.Arg39del (NM_003895.4); short protein forms R39del.
Identifiers: ClinVar variation 1396770 (VCV001396770.8), dbSNP rs1463472857, ClinGen allele CA637656175.
Genomic context (GRCh38, chr21:32,726,899, plus strand): 5'-GCTGAAAGGTGGGGGATCCAATTTGTGATAGATCCGGAATCCTTTACTGAACGCCATTCT[CCTT>C]TCTTCGGAGGCAGCCCTGCGAAAACCAAGCAAAGCAAAGCAAATGAAGCTGATGTTTCCT-3'